The following is an entry in ClinVar:

ClinVar aggregate classification (germline): Conflicting classifications of pathogenicity. Review status: criteria provided, conflicting classifications (1 of 4 stars). 3 submissions from 3 submitters: Uncertain significance (1); Benign (1); Likely benign (1). Last evaluated 2026-01-25.

Conditions:
Pyruvate carboxylase deficiency. Also called: ATAXIA WITH LACTIC ACIDOSIS II; LEIGH NECROTIZING ENCEPHALOPATHY DUE TO PYRUVATE CARBOXYLASE DEFICIENCY; LEIGH SYNDROME DUE TO PYRUVATE CARBOXYLASE DEFICIENCY; PC DEFICIENCY; Pyruvate Carboxylase Deficiency Disease. Identifiers: Orphanet 3008, MedGen C0034341, MONDO:0009949, OMIM 266150.

Allele frequency attached by ClinVar (database versions not stated): gnomAD 0.00016 and 0.00019; gnomAD exomes 0.00019 and 0.00073; TOPMed 0.00048; 1000 Genomes Project 30x 0.00078; ExAC 0.00078; 1000 Genomes Project 0.00080.
gnomAD v4.1: 306 of 1,613,986 alleles (0.019%); highest among the groups gnomAD compares: East Asian, 0.64%; no homozygotes.

Submissions (3):

Labcorp Genetics (formerly Invitae), Labcorp
Classification: Benign for Pyruvate carboxylase deficiency. Last evaluated: 2026-01-25. Review status: criteria provided, single submitter. Criteria: Invitae Variant Classification Sherloc (09022015). Collection method: clinical testing. Allele origin: germline.

GeneDx
Classification: Uncertain significance. Last evaluated: 2023-12-26. Review status: criteria provided, single submitter. Criteria: GeneDx Variant Classification Process June 2021. Collection method: clinical testing. Allele origin: germline. Affected: yes.
Comment: In silico analysis supports that this missense variant has a deleterious effect on protein structure/function; Has not been previously published as pathogenic or benign to our knowledge

Illumina Laboratory Services, Illumina
Classification: Likely benign for Pyruvate carboxylase deficiency. Last evaluated: 2018-01-12. Review status: criteria provided, single submitter. Criteria: ICSL Variant Classification Criteria 13 December 2019. Collection method: clinical testing. Allele origin: germline.
Comment: This variant was observed in the ICSL laboratory as part of a predisposition screen in an ostensibly healthy population. It had not been previously curated by ICSL or reported in the Human Gene Mutation Database (HGMD: prior to June 1st, 2018), and was therefore a candidate for classification through an automated scoring system. Utilizing variant allele frequency, disease prevalence and penetrance estimates, and inheritance mode, an automated score was calculated to assess if this variant is too frequent to cause the disease. Based on the score and internal cut-off values, a variant classified as likely benign is not then subjected to further curation. The score for this variant resulted in a classification of likely benign for this disease.

NM_001040716.2(PC):c.1702A>G (p.Thr568Ala)

Gene: PC (pyruvate carboxylase; minus strand). Cytogenetic location: 11q13.2.
Variant type: single nucleotide variant.
Coding change: c.1702A>G on transcript NM_001040716.2 (MANE Select); coding-DNA position 1702, A replaced by G.
Protein change: p.Thr568Ala; replaces threonine 568 with alanine.
Molecular consequence: missense variant.
Genome position (GRCh38, 1-based): chr11:66,852,562, T>C on the plus strand (A>G on the coding strand, the complement: PC is on the minus strand). VCF-style: chr11-66852562-T-C. GRCh37 (hg19) VCF-style: chr11-66620033-T-C.
Other names: c.1702A>G, p.Thr568Ala (NM_000920.4, NM_022172.3); short protein forms T568A.
Identifiers: ClinVar variation 305623 (VCV000305623.18), dbSNP rs199969388, ClinGen allele CA6131288.